The following is an entry in ClinVar:

NM_003072.5(SMARCA4):c.19C>A (p.Pro7Thr)

Gene: SMARCA4 (SWI/SNF related BAF chromatin remodeling complex subunit ATPase 4; plus strand). Cytogenetic location: 19p13.2.
Variant type: single nucleotide variant.
Coding change: c.19C>A on transcript NM_003072.5 (MANE Select); coding-DNA position 19, C replaced by A.
Protein change: p.Pro7Thr; replaces proline 7 with threonine.
Molecular consequence: missense variant. On other transcripts: non-coding transcript variant (1).
Genome position (GRCh38, 1-based): chr19:10,984,170, C>A. VCF-style: chr19-10984170-C-A. GRCh37 (hg19) VCF-style: chr19-11094846-C-A.
Other names: c.19C>A, p.Pro7Thr (NM_001128844.3, NM_001128845.2, NM_001128846.2 and 5 more transcripts); c.19C>A (NM_001128849.1); short protein forms P7T.
Identifiers: ClinVar variation 1472646 (VCV001472646.6), dbSNP rs762625346, ClinGen allele CA9203382.

ClinVar aggregate classification (germline): Uncertain significance. Review status: criteria provided, multiple submitters, no conflicts (2 of 4 stars). 2 submissions from 2 submitters: Uncertain significance (2). Last evaluated 2025-04-14.

Conditions:
Hereditary cancer-predisposing syndrome. Also called: Neoplastic Syndromes, Hereditary; Hereditary Cancer Syndrome; Tumor predisposition; Hereditary neoplastic syndrome. Identifiers: Orphanet 140162, MedGen C0027672, MeSH D009386, MONDO:0015356.
Rhabdoid tumor predisposition syndrome 2 (RTPS2). Identifiers: Orphanet 231108, Orphanet 69077, MedGen C2750074, MONDO:0013224, OMIM 613325.

Allele frequency attached by ClinVar (database versions not stated): gnomAD exomes below 0.00001 and 0.00001; ExAC 0.00002.
gnomAD v4.1: 1 of 1,613,578 alleles (0.000062%); highest among the groups gnomAD compares: East Asian, 0.0022%; no homozygotes.

Submissions (2):

Labcorp Genetics (formerly Invitae), Labcorp
Classification: Uncertain significance for Rhabdoid tumor predisposition syndrome 2. Last evaluated: 2025-04-14. Review status: criteria provided, single submitter. Criteria: Invitae Variant Classification Sherloc (09022015). Collection method: clinical testing. Allele origin: germline.
Comment: This sequence change replaces proline, which is neutral and non-polar, with threonine, which is neutral and polar, at codon 7 of the SMARCA4 protein (p.Pro7Thr). This variant is present in population databases (rs762625346, gnomAD 0.006%). This variant has not been reported in the literature in individuals affected with SMARCA4-related conditions. ClinVar contains an entry for this variant (Variation ID: 1472646). Experimental studies and prediction algorithms are not available or were not evaluated, and the functional significance of this variant is currently unknown. In summary, the available evidence is currently insufficient to determine the role of this variant in disease. Therefore, it has been classified as a Variant of Uncertain Significance.

Ambry Genetics
Classification: Uncertain significance for Hereditary cancer-predisposing syndrome. Last evaluated: 2024-02-29. Review status: criteria provided, single submitter. Criteria: Ambry Variant Classification Scheme 2023. Collection method: clinical testing. Allele origin: germline.
Comment: The p.P7T variant (also known as c.19C>A), located in coding exon 1 of the SMARCA4 gene, results from a C to A substitution at nucleotide position 19. The proline at codon 7 is replaced by threonine, an amino acid with highly similar properties. This amino acid position is highly conserved in available vertebrate species. In addition, the in silico prediction for this alteration is inconclusive. Based on the available evidence, the clinical significance of this alteration remains unclear.